The following is an entry in ClinVar:

ClinVar aggregate classification (germline): Conflicting classifications of pathogenicity. Review status: criteria provided, conflicting classifications (1 of 4 stars). 2 submissions from 2 submitters: Uncertain significance (1); Likely benign (1). Last evaluated 2024-09-20.

Conditions:
CTCF-related neurodevelopmental disorder. Also called: Intellectual disability-feeding difficulties-developmental delay-microcephaly syndrome; INTELLECTUAL DEVELOPMENTAL DISORDER, AUTOSOMAL DOMINANT 21. Identifiers: Orphanet 363611, MedGen C3809686, MONDO:0014213, OMIM 615502.

Submissions (2):

3billion
Classification: Likely benign for CTCF-related neurodevelopmental disorder. Last evaluated: 2024-09-20. Review status: criteria provided, single submitter. Criteria: ACMG Guidelines, 2015. Collection method: clinical testing. Allele origin: germline. Affected: no.
Comment: The variant was identified in at least one patient who was diagnosed with a different variant in another gene and showed no symptoms related to the gene containing the variant in question.

Institute of Human Genetics, University of Leipzig Medical Center
Classification: Uncertain significance for CTCF-related neurodevelopmental disorder. Last evaluated: 2020-08-05. Review status: criteria provided, single submitter. Criteria: ACMG Guidelines, 2015. Collection method: clinical testing. Allele origin: de novo.

NM_006565.4(CTCF):c.2139C>A (p.Asn713Lys)

Gene: CTCF (CCCTC-binding factor; plus strand). Cytogenetic location: 16q22.1.
Variant type: single nucleotide variant.
Coding change: c.2139C>A on transcript NM_006565.4 (MANE Select); coding-DNA position 2139, C replaced by A.
Protein change: p.Asn713Lys; replaces asparagine 713 with lysine.
Molecular consequence: missense variant.
Genome position (GRCh38, 1-based): chr16:67,637,827, C>A. VCF-style: chr16-67637827-C-A. GRCh37 (hg19) VCF-style: chr16-67671730-C-A.
Other names: c.1155C>A, p.Asn385Lys (NM_001191022.2); c.2133C>A, p.Asn711Lys (NM_001363916.2); short protein forms N385K, N711K, N713K.
Identifiers: ClinVar variation 983075 (VCV000983075.3), dbSNP rs146712579, ClinGen allele CA396325915.